The following is an entry in ClinVar:

NM_001349253.2(SCN11A):c.2233T>G (p.Cys745Gly)

Gene: SCN11A (sodium voltage-gated channel alpha subunit 11; minus strand). Cytogenetic location: 3p22.2.
Variant type: single nucleotide variant.
Coding change: c.2233T>G on transcript NM_001349253.2 (MANE Select); coding-DNA position 2233, T replaced by G.
Protein change: p.Cys745Gly; replaces cysteine 745 with glycine.
Molecular consequence: missense variant.
Genome position (GRCh38, 1-based): chr3:38,897,015, A>C on the plus strand (T>G on the coding strand, the complement: SCN11A is on the minus strand). VCF-style: chr3-38897015-A-C. GRCh37 (hg19) VCF-style: chr3-38938506-A-C.
Other names: c.2233T>G, p.Cys745Gly (NM_014139.3); short protein forms C745G.
Identifiers: ClinVar variation 3756956 (VCV003756956.2).
Genomic context (GRCh38, chr3:38,897,015, plus strand): 5'-GGATGCGGAATACCACTAGGAAGGAGTGCCAGAAATCCCCCATGTGCCAGTGCCGTAAAC[A>C]TGAGACTGTCGGGCCTGTCGGGTTACAGAGTTTTGGACTCTTTTGGGAATTGAAGCTACG-3'
Protein context (NP_001336182.1, residues 735-755): LCNPTGPTVS[Cys745Gly]LRHWHMGDFW

ClinVar aggregate classification (germline): Uncertain significance (1 of 4 stars; one submission).

Conditions:
Hereditary sensory and autonomic neuropathy type 7. Also called: Neuropathy, hereditary sensory and autonomic, type VII; HSAN VII. Identifiers: Orphanet 391397, MedGen C3809882, MONDO:0014244, OMIM 615548.
Familial episodic pain syndrome with predominantly lower limb involvement. Also called: Episodic pain syndrome, familial, 3. Identifiers: Orphanet 391384, Orphanet 391392, MedGen C3809899, MONDO:0014247, OMIM 615552.

gnomAD v4.1: 1 of 1,614,152 alleles (0.000062%); highest among the groups gnomAD compares: Non-Finnish European, 0.000085%; no homozygotes.

Submission:

Labcorp Genetics (formerly Invitae), Labcorp
Classification: Uncertain significance for Familial episodic pain syndrome with predominantly lower limb involvement; Hereditary sensory and autonomic neuropathy type 7. Last evaluated: 2024-06-24. Review status: criteria provided, single submitter. Criteria: Invitae Variant Classification Sherloc (09022015). Collection method: clinical testing. Allele origin: germline.
Comment: This sequence change replaces cysteine, which is neutral and slightly polar, with glycine, which is neutral and non-polar, at codon 745 of the SCN11A protein (p.Cys745Gly). This variant is present in population databases (no rsID available, gnomAD 0.0009%). This variant has not been reported in the literature in individuals affected with SCN11A-related conditions. An algorithm developed to predict the effect of missense changes on protein structure and function (PolyPhen-2) suggests that this variant is likely to be tolerated. In summary, the available evidence is currently insufficient to determine the role of this variant in disease. Therefore, it has been classified as a Variant of Uncertain Significance.